The following is an entry in ClinVar:

ClinVar aggregate classification (germline): Uncertain significance. Review status: criteria provided, multiple submitters, no conflicts (2 of 4 stars). 5 submissions from 5 submitters: Uncertain significance (3). 2 of the submissions do not count toward it. Last evaluated 2026-09-09.

Conditions:
Autosomal dominant nonsyndromic hearing loss 21. Also called: Deafness, autosomal dominant 21. Identifiers: Orphanet 90635, MedGen C1846922, MONDO:0011761, OMIM 607017.

Submissions (5):

GeneDx
Classification: Uncertain significance. Last evaluated: 2026-09-09. Review status: criteria provided, single submitter. Criteria: GeneDx Variant Classification Process June 2021. Collection method: clinical testing. Allele origin: germline.
Comment: Reported in the heterozygous state in multiple affected individuals with hearing loss in published literature; however, the variant was present in one unaffected family member and absent in several additional affected family members (PMID: 32631815); In-frame deletion of 4 amino acid(s) in a non-repeat region; In silico analysis suggests that this variant does not alter protein structure/function; This variant is associated with the following publications: (PMID: 37164627, 34502338, 32631815, 10764236, VeigaAlonso2025)

Labcorp Genetics (formerly Invitae), Labcorp
Classification: Uncertain significance. Last evaluated: 2024-10-29. Review status: criteria provided, single submitter. Criteria: Invitae Variant Classification Sherloc (09022015). Collection method: clinical testing. Allele origin: germline.
Comment: This variant, c.1696_1707del, results in the deletion of 4 amino acid(s) of the FAM65B protein (p.Gln566_Lys569del), but otherwise preserves the integrity of the reading frame. This variant is present in population databases (rs760676508, gnomAD 0.006%). This variant has been observed in individual(s) with autosomal dominant hearing loss (PMID: 32631815). It has also been observed to segregate with disease in related individuals. ClinVar contains an entry for this variant (Variation ID: 1527864). Experimental studies and prediction algorithms are not available or were not evaluated, and the functional significance of this variant is currently unknown. In summary, the available evidence is currently insufficient to determine the role of this variant in disease. Therefore, it has been classified as a Variant of Uncertain Significance.

Blueprint Genetics
Classification: Uncertain significance. Last evaluated: 2022-09-30. Review status: criteria provided, single submitter. Criteria: ACMG Guidelines, 2015. Collection method: clinical testing. Allele origin: germline.

Clinical Genetics Laboratory, University Hospital Schleswig-Holstein
Classification: Likely pathogenic for Autosomal dominant nonsyndromic hearing loss 21. Last evaluated: 2023-08-30. Review status: no assertion criteria provided. Collection method: clinical testing. Allele origin: germline. Affected: yes. Not counted in ClinVar's aggregate classification.

OMIM
Classification: Pathogenic for DEAFNESS, AUTOSOMAL DOMINANT 21. Last evaluated: 2022-03-31. Review status: no assertion criteria provided. Collection method: literature only. Allele origin: germline. Not counted in ClinVar's aggregate classification.

Literature cited by the submitters: PubMed 32631815 (cited by Labcorp Genetics (formerly Invitae), Labcorp and OMIM); PubMed 10764236 (cited by OMIM).

NM_001286445.3(RIPOR2):c.1633_1644del (p.Gln545_Lys548del)

Gene: RIPOR2 (RHO family interacting cell polarization regulator 2; minus strand). Cytogenetic location: 6p22.3.
Variant type: Deletion.
Coding change: c.1633_1644del on transcript NM_001286445.3 (MANE Select); coding-DNA positions 1633 to 1644, 12 bases deleted (CAGCTGGTCAAG).
Protein change: p.Gln545_Lys548del.
Molecular consequence: inframe deletion.
Genome position (GRCh38, 1-based): chr6:24,843,075-24,843,086, CTTGACCAGCTG deleted on the plus strand (CAGCTGGTCAAG on the coding strand, the reverse complement: RIPOR2 is on the minus strand); deleting any 12 consecutive bases within chr6:24,843,075-24,843,089 gives the same sequence; the c. name uses the placement nearest the transcript's 3' end. VCF-style (leftmost placement, unchanged base first): chr6-24843074-TCTTGACCAGCTG-T. GRCh37 (hg19) VCF-style: chr6-24843302-TCTTGACCAGCTG-T.
Other names: c.1648_1659del, p.Gln550_Lys553del (NM_001286446.3); c.1546_1557del, p.Gln516_Lys519del (NM_001286447.2, NM_001346031.2, NM_001346032.2 and 1 more transcripts); c.1696_1707del, p.Gln566_Lys569del (NM_014722.5).
Identifiers: ClinVar variation 1527864 (VCV001527864.10), dbSNP rs760676508, ClinGen allele CA3659219.